The following is an entry in ClinVar:

ClinVar aggregate classification (germline): Benign/Likely benign. Review status: criteria provided, multiple submitters, no conflicts (2 of 4 stars). 7 submissions from 6 submitters: Benign (1); Likely benign (5). 1 of the submissions does not count toward it. Last evaluated 2026-01-28.

Conditions:
ADAMTSL4-related disorder. Also called: ADAMTSL4-related condition; ADAMTSL4-Related Disorders.
Ectopia lentis et pupillae. Also called: ECTOPIA LENTIS WITH ECTOPIA OF PUPIL. Identifiers: Orphanet 1885, MedGen C1644196, MONDO:0009153, OMIM 225200.
Ectopia lentis 2, isolated, autosomal recessive (ECTOL2). Identifiers: Orphanet 1885, MedGen C3541474, MONDO:0009152, OMIM 225100.

Allele frequency attached by ClinVar (database versions not stated): 1000 Genomes Project 30x 0.00047; 1000 Genomes Project 0.00060; gnomAD exomes 0.00098 and 0.00212; ESP Exome Variant Server 0.00119; gnomAD 0.00133; TOPMed 0.00157; ExAC 0.00213.

Submissions (7):

Labcorp Genetics (formerly Invitae), Labcorp
Classification: Benign. Last evaluated: 2026-01-28. Review status: criteria provided, single submitter. Criteria: Invitae Variant Classification Sherloc (09022015). Collection method: clinical testing. Allele origin: germline.

Blueprint Genetics
Classification: Likely benign. Last evaluated: 2024-11-22. Review status: criteria provided, single submitter. Criteria: ACMG Guidelines, 2015. Collection method: clinical testing. Allele origin: germline.

Genome-Nilou Lab
Classification: Likely benign for Ectopia lentis et pupillae. Last evaluated: 2023-04-11. Review status: criteria provided, single submitter. Criteria: ACMG Guidelines, 2015. Collection method: clinical testing. Allele origin: germline. Affected: no.

Genome-Nilou Lab
Classification: Likely benign for Ectopia lentis 2, isolated, autosomal recessive. Last evaluated: 2023-04-11. Review status: criteria provided, single submitter. Criteria: ACMG Guidelines, 2015. Collection method: clinical testing. Allele origin: germline. Affected: no.

Illumina Laboratory Services, Illumina
Classification: Likely benign for Ectopia lentis 2, isolated, autosomal recessive. Last evaluated: 2018-01-12. Review status: criteria provided, single submitter. Criteria: ICSL Variant Classification Criteria 13 December 2019. Collection method: clinical testing. Allele origin: germline.
Comment: This variant was observed in the ICSL laboratory as part of a predisposition screen in an ostensibly healthy population. It had not been previously curated by ICSL or reported in the Human Gene Mutation Database (HGMD: prior to June 1st, 2018), and was therefore a candidate for classification through an automated scoring system. Utilizing variant allele frequency, disease prevalence and penetrance estimates, and inheritance mode, an automated score was calculated to assess if this variant is too frequent to cause the disease. Based on the score and internal cut-off values, a variant classified as likely benign is not then subjected to further curation. The score for this variant resulted in a classification of likely benign for this disease.

Breakthrough Genomics
Classification: Likely benign. Review status: criteria provided, single submitter. Criteria: ACMG Guidelines, 2015. Collection method: not provided. Allele origin: germline. Inheritance: Autosomal recessive inheritance. Affected: yes.

PreventionGenetics, part of Exact Sciences
Classification: Likely benign for ADAMTSL4-related condition. Last evaluated: 2019-08-21. Review status: no assertion criteria provided. Collection method: clinical testing. Allele origin: germline. Not counted in ClinVar's aggregate classification.
Comment: This variant is classified as likely benign based on ACMG/AMP sequence variant interpretation guidelines (Richards et al. 2015 PMID: 25741868, with internal and published modifications).

NM_019032.6(ADAMTSL4):c.1007G>A (p.Gly336Asp)

Genes: ADAMTSL4 (ADAMTS like 4; plus strand), ADAMTSL4-AS2 (ADAMTSL4 antisense RNA 2; minus strand). Cytogenetic location: 1q21.2.
Variant type: single nucleotide variant.
Coding change: c.1007G>A on transcript NM_019032.6 (MANE Select); coding-DNA position 1007, G replaced by A.
Protein change: p.Gly336Asp; replaces glycine 336 with aspartic acid.
Molecular consequence: missense variant.
Genome position (GRCh38, 1-based): chr1:150,553,998, G>A. VCF-style: chr1-150553998-G-A. GRCh37 (hg19) VCF-style: chr1-150526474-G-A.
Other names: c.1007G>A, p.Gly336Asp (NM_001288607.2, NM_001288608.2, NM_001378596.1 and 1 more transcripts); short protein forms G336D.
Identifiers: ClinVar variation 292525 (VCV000292525.19), dbSNP rs142354320, ClinGen allele CA1078097.
Genomic context (GRCh38, chr1:150,553,998, plus strand): 5'-CTTGGGGAACGGGGGGGACTCCTCACGGGCCCCGCCTGGAGCCTGACCCTCAGCACCCGG[G>A]CGCCTGGCTGCCCCTGCTGAGCAACGGCCCCCATGCCAGCTCCCTCTGGAGCCTCTTTGC-3'
Protein context (NP_061905.2, residues 326-346): PRLEPDPQHP[Gly336Asp]AWLPLLSNGP